The following is an entry in ClinVar:

NM_033402.5(LRRCC1):c.2327A>G (p.Gln776Arg)

Gene: LRRCC1 (leucine rich repeat and coiled-coil centrosomal protein 1; plus strand). Cytogenetic location: 8q21.2.
Variant type: single nucleotide variant.
Coding change: c.2327A>G on transcript NM_033402.5 (MANE Select); coding-DNA position 2327, A replaced by G.
Protein change: p.Gln776Arg; replaces glutamine 776 with arginine.
Molecular consequence: missense variant.
Genome position (GRCh38, 1-based): chr8:85,135,961, A>G. VCF-style: chr8-85135961-A-G. GRCh37 (hg19) VCF-style: chr8-86048196-A-G.
Other names: c.2048A>G, p.Gln683Arg (NM_001349636.2); c.1901A>G, p.Gln634Arg (NM_001349637.2); c.1430A>G, p.Gln477Arg (NM_001349638.2); c.1190A>G, p.Gln397Arg (NM_001349639.2); c.2327A>G (NM_033402.4); short protein forms Q776R, Q397R, Q634R, Q477R, Q683R.
Identifiers: ClinVar variation 2173584 (VCV002173584.5), dbSNP rs1452176198, ClinGen allele CA371428511.

ClinVar aggregate classification (germline): Uncertain significance. Review status: criteria provided, multiple submitters, no conflicts (2 of 4 stars). 2 submissions from 2 submitters: Uncertain significance (2). Last evaluated 2025-08-14.

Allele frequency attached by ClinVar (database versions not stated): gnomAD 0.00001; gnomAD exomes 0.00001; TOPMed 0.00003.

Submissions (2):

Ambry Genetics
Classification: Uncertain significance. Last evaluated: 2025-08-14. Review status: criteria provided, single submitter. Criteria: Ambry Variant Classification Scheme 2023. Collection method: clinical testing. Allele origin: germline.

Labcorp Genetics (formerly Invitae), Labcorp
Classification: Uncertain significance. Last evaluated: 2022-10-08. Review status: criteria provided, single submitter. Criteria: Invitae Variant Classification Sherloc (09022015). Collection method: clinical testing. Allele origin: germline.
Comment: In summary, the available evidence is currently insufficient to determine the role of this variant in disease. Therefore, it has been classified as a Variant of Uncertain Significance. Algorithms developed to predict the effect of missense changes on protein structure and function (SIFT, PolyPhen-2, Align-GVGD) all suggest that this variant is likely to be disruptive. This variant has not been reported in the literature in individuals affected with LRRCC1-related conditions. This variant is present in population databases (no rsID available, gnomAD 0.004%). This sequence change replaces glutamine, which is neutral and polar, with arginine, which is basic and polar, at codon 776 of the LRRCC1 protein (p.Gln776Arg).